The following is an entry in ClinVar:

ClinVar aggregate classification (germline): Benign/Likely benign. Review status: criteria provided, multiple submitters, no conflicts (2 of 4 stars). 3 submissions from 3 submitters: Benign (1); Likely benign (2). Last evaluated 2024-08-01.

Allele frequency attached by ClinVar (database versions not stated): 1000 Genomes Project 30x 0.00078; gnomAD 0.00079 and 0.00069; ESP Exome Variant Server 0.00146; gnomAD exomes 0.00007 and 0.00021; ExAC 0.00032; 1000 Genomes Project 0.00060; TOPMed 0.00074.
gnomAD v4.1: 208 of 1,613,904 alleles (0.013%); highest among the groups gnomAD compares: African/African-American, 0.26%; no homozygotes.

Submissions (3):

CeGaT Center for Human Genetics Tuebingen
Classification: Likely benign. Last evaluated: 2024-08-01. Review status: criteria provided, single submitter. Criteria: CeGaT Center For Human Genetics Tuebingen Variant Classification Criteria Version 2. Collection method: clinical testing. Allele origin: germline. Affected: yes. Observed: 1 variant allele.
Comment: HECW2: BP4, BP7

Blueprint Genetics
Classification: Likely benign. Last evaluated: 2024-03-01. Review status: criteria provided, single submitter. Criteria: ACMG Guidelines, 2015. Collection method: clinical testing. Allele origin: germline.

Labcorp Genetics (formerly Invitae), Labcorp
Classification: Benign. Last evaluated: 2018-03-30. Review status: criteria provided, single submitter. Criteria: Invitae Variant Classification Sherloc (09022015). Collection method: clinical testing. Allele origin: germline.

NM_001348768.2(HECW2):c.4242T>C (p.Ile1414=)

Gene: HECW2 (HECT, C2 and WW domain containing E3 ubiquitin protein ligase 2; minus strand). Cytogenetic location: 2q32.3.
Variant type: single nucleotide variant.
Coding change: c.4242T>C on transcript NM_001348768.2 (MANE Select); coding-DNA position 4242, T replaced by C.
Protein change: p.Ile1414=; no amino-acid change (isoleucine 1414 retained).
Molecular consequence: synonymous variant.
Genome position (GRCh38, 1-based): chr2:196,220,846, A>G on the plus strand (T>C on the coding strand, the complement: HECW2 is on the minus strand). VCF-style: chr2-196220846-A-G. GRCh37 (hg19) VCF-style: chr2-197085570-A-G.
Other names: c.3174T>C, p.Ile1058= (NM_001304840.3); c.4242T>C, p.Ile1414= (NM_020760.4).
Identifiers: ClinVar variation 737596 (VCV000737596.20), dbSNP rs150787602, ClinGen allele CA2037559.